The following is an entry in ClinVar:

NM_014915.3(ANKRD26):c.4687T>A (p.Leu1563Ile)

Gene: ANKRD26 (ankyrin repeat domain 26; minus strand). Cytogenetic location: 10p12.1.
Variant type: single nucleotide variant.
Coding change: c.4687T>A on transcript NM_014915.3 (MANE Select); coding-DNA position 4687, T replaced by A.
Protein change: p.Leu1563Ile; replaces leucine 1563 with isoleucine.
Molecular consequence: missense variant.
Genome position (GRCh38, 1-based): chr10:27,014,531, A>T on the plus strand (T>A on the coding strand, the complement: ANKRD26 is on the minus strand). VCF-style: chr10-27014531-A-T. GRCh37 (hg19) VCF-style: chr10-27303460-A-T.
Other names: c.4684T>A, p.Leu1562Ile (NM_001256053.2); short protein forms L1563I, L1562I.
Identifiers: ClinVar variation 4578746 (VCV004578746.1).
Genomic context (GRCh38, chr10:27,014,531, plus strand): 5'-TATGATTCTATATTTTGACTTACTTGGTTAGTTTACTTGACAAAGATTTTCTAACTTTTA[A>T]TTCTTCTAGATAGAGTTGCTTATATTTTTCCAGTTCGGTTTTATTAAAGTCTTCTTGAGA-3'
Protein context (NP_055730.2, residues 1553-1573): EKYKQLYLEE[Leu1563Ile]KVRKSLSSKL

ClinVar aggregate classification (germline): Uncertain significance (1 of 4 stars; one submission).

Conditions:
Inborn genetic diseases. Identifiers: MedGen C0950123, MeSH D030342.

Submission:

Ambry Genetics
Classification: Uncertain significance for Inborn genetic diseases. Last evaluated: 2025-10-11. Review status: criteria provided, single submitter. Criteria: Ambry Variant Classification Scheme 2023. Collection method: clinical testing. Allele origin: germline.
Comment: The p.L1563I variant (also known as c.4687T>A), located in coding exon 31 of the ANKRD26 gene, results from a T to A substitution at nucleotide position 4687. The leucine at codon 1563 is replaced by isoleucine, an amino acid with highly similar properties. This amino acid position is conserved. In addition, this alteration is predicted to be tolerated by in silico analysis. Based on the available evidence, the clinical significance of this variant remains unclear.